The following is an entry in ClinVar:

ClinVar aggregate classification (germline): Uncertain significance (1 of 4 stars; one submission).

Conditions:
Hereditary cancer-predisposing syndrome. Also called: Hereditary Cancer Syndrome; Hereditary neoplastic syndrome; Neoplastic Syndromes, Hereditary; Tumor predisposition. Identifiers: Orphanet 140162, MedGen C0027672, MeSH D009386, MONDO:0015356.

Submission:

Ambry Genetics
Classification: Uncertain significance for Hereditary cancer-predisposing syndrome. Last evaluated: 2022-04-13. Review status: criteria provided, single submitter. Criteria: Ambry Variant Classification Scheme 2023. Collection method: clinical testing. Allele origin: germline.
Comment: The p.A149P variant (also known as c.445G>C), located in coding exon 1 of the CDKN1B gene, results from a G to C substitution at nucleotide position 445. The alanine at codon 149 is replaced by proline, an amino acid with highly similar properties. This amino acid position is not well conserved in available vertebrate species. In addition, this alteration is predicted to be tolerated by in silico analysis. Since supporting evidence is limited at this time, the clinical significance of this alteration remains unclear.

NM_004064.5(CDKN1B):c.445G>C (p.Ala149Pro)

Gene: CDKN1B (cyclin dependent kinase inhibitor 1B; plus strand). Cytogenetic location: 12p13.1.
Variant type: single nucleotide variant.
Coding change: c.445G>C on transcript NM_004064.5 (MANE Select); coding-DNA position 445, G replaced by C.
Protein change: p.Ala149Pro; replaces alanine 149 with proline.
Molecular consequence: missense variant.
Genome position (GRCh38, 1-based): chr12:12,718,284, G>C. VCF-style: chr12-12718284-G-C. GRCh37 (hg19) VCF-style: chr12-12871218-G-C.
Other names: short protein forms A149P.
Identifiers: ClinVar variation 1740767 (VCV001740767.2), dbSNP rs771553626, ClinGen allele CA383970822.